The following is an entry in ClinVar:

ClinVar aggregate classification (germline): Likely benign. Review status: criteria provided, multiple submitters, no conflicts (2 of 4 stars). 3 submissions from 3 submitters: Likely benign (3). Last evaluated 2025-11-01.

Conditions:
Dextro-looped transposition of the great arteries. Also called: Dextrotransposition of the great arteries. Identifiers: Orphanet 860, MedGen C3531771, MONDO:0019443, OMIM 608808, HP:0031348.

Allele frequency attached by ClinVar (database versions not stated): gnomAD 0.00003 and 0.00005; TOPMed 0.00005; gnomAD exomes 0.00008 and 0.00016; ExAC 0.00018.
gnomAD v4.1: 130 of 1,611,910 alleles (0.0081%); highest among the groups gnomAD compares: Middle Eastern, 0.099%; no homozygotes.

Submissions (3):

CeGaT Center for Human Genetics Tuebingen
Classification: Likely benign. Last evaluated: 2025-11-01. Review status: criteria provided, single submitter. Criteria: CeGaT Center For Human Genetics Tuebingen Variant Classification Criteria Version 2. Collection method: clinical testing. Allele origin: germline. Affected: yes. Observed: 1 variant allele.
Comment: MED13L: BP4, BS2

Labcorp Genetics (formerly Invitae), Labcorp
Classification: Likely benign for Dextro-looped transposition of the great arteries. Last evaluated: 2024-10-23. Review status: criteria provided, single submitter. Criteria: Invitae Variant Classification Sherloc (09022015). Collection method: clinical testing. Allele origin: germline.

Blueprint Genetics
Classification: Likely benign. Last evaluated: 2024-08-04. Review status: criteria provided, single submitter. Criteria: ACMG Guidelines, 2015. Collection method: clinical testing. Allele origin: germline.

NM_015335.5(MED13L):c.626-4A>G

Gene: MED13L (mediator complex subunit 13L; minus strand). Cytogenetic location: 12q24.21.
Variant type: single nucleotide variant.
Coding change: c.626-4A>G on transcript NM_015335.5 (MANE Select); 4 bases into the intron before coding-DNA position 626, A replaced by G.
Molecular consequence: intron variant.
Genome position (GRCh38, 1-based): chr12:116,019,976, T>C on the plus strand (A>G on the coding strand, the complement: MED13L is on the minus strand). VCF-style: chr12-116019976-T-C. GRCh37 (hg19) VCF-style: chr12-116457781-T-C.
Identifiers: ClinVar variation 699035 (VCV000699035.14), dbSNP rs768048151, ClinGen allele CA6811607.
Genomic context (GRCh38, chr12:116,019,976, plus strand): 5'-ACATCTTGTATGCTTGGCCTGTTAGCGTCCCATTTAAGCCATAAGGACTTACCAGTACTA[T>C]GGAGGGGAGGAGAAATACATGCTAAACATTAGAGAAATAATTCCTACTTAAGTGCAACAC-3'